The following is an entry in ClinVar:

NM_007294.4(BRCA1):c.4484+5G>A

Gene: BRCA1 (BRCA1 DNA repair associated; minus strand). Cytogenetic location: 17q21.31.
Variant type: single nucleotide variant.
Coding change: c.4484+5G>A on transcript NM_007294.4 (MANE Select); 5 bases into the intron after coding-DNA position 4484, G replaced by A.
Molecular consequence: intron variant.
Genome position (GRCh38, 1-based): chr17:43,076,483, C>T on the plus strand (G>A on the coding strand, the complement: BRCA1 is on the minus strand). VCF-style: chr17-43076483-C-T. GRCh37 (hg19) VCF-style: chr17-41228500-C-T.
Other names: c.1175+5G>A (NM_001407978.1, NM_001407977.1, NM_001407976.1 and 3 more transcripts); c.4478+5G>A (NM_001407639.1, NM_001407630.1, NM_001407633.1 and 14 more transcripts); c.4481+5G>A (NM_001407859.1, NM_001407620.1, NM_001407623.1 and 17 more transcripts); c.4484+5G>A (NM_001407597.1, NM_001407605.1, NM_001407684.1 and 8 more transcripts); c.4550+5G>A (NM_001407582.1, NM_001407581.1); c.4268+5G>A (NM_001407917.1, NM_001407918.1, NM_001407915.1 and 1 more transcripts); c.1031+5G>A (NM_001408462.1, NM_001408458.1, NM_001408461.1 and 7 more transcripts); c.4271+5G>A (NM_001407902.1, NM_001407897.1, NM_001407908.1 and 12 more transcripts); and 71 more.
Identifiers: ClinVar variation 656566 (VCV000656566.11), dbSNP rs886040910, ClinGen allele CA915950042.

ClinVar aggregate classification (germline): Uncertain significance. Review status: reviewed by expert panel (3 of 4 stars). 5 submissions from 5 submitters: Uncertain significance (1). 4 of the submissions do not count toward it. Last evaluated 2025-05-23.

Conditions:
Hereditary breast ovarian cancer syndrome. Also called: Hereditary breast and ovarian cancer syndrome (HBOC); Hereditary breast and ovarian cancer; BRCA1- and BRCA2-Associated Hereditary Breast and Ovarian Cancer; Breast and ovarian cancer; Hereditary breast and ovarian cancer syndrome; Hereditary breast and/or ovarian cancer syndrome. Identifiers: Orphanet 145, MedGen C0677776, MeSH D061325, MONDO:0003582. Disease mechanism: loss of function.
Breast-ovarian cancer, familial, susceptibility to, 1 (BROVCA1). Also called: OVARIAN CANCER, SUSCEPTIBILITY TO; BRCA1 Hereditary Breast and Ovarian Cancer. Identifiers: Orphanet 145, MedGen C2676676, MONDO:0011450, OMIM 604370. Disease mechanism: loss of function.
Familial cancer of breast. Also called: BREAST CANCER, FAMILIAL; hereditary breast carcinoma; Hereditary breast cancer. Identifiers: Orphanet 227535, MedGen C0346153, MONDO:0016419, OMIM 114480. Disease mechanism: loss of function.
Fanconi anemia, complementation group S (FANCS). Identifiers: MedGen C4554406, MONDO:0054748, OMIM 617883.
BRCA1-related cancer predisposition. Identifiers: MedGen CN377757, MONDO:0700268.
Hereditary cancer-predisposing syndrome. Also called: Hereditary neoplastic syndrome; Tumor predisposition; Hereditary Cancer Syndrome; Neoplastic Syndromes, Hereditary. Identifiers: Orphanet 140162, MedGen C0027672, MeSH D009386, MONDO:0015356.

Submissions (5):

ClinGen ENIGMA BRCA1 and BRCA2 Variant Curation Expert Panel, ClinGen
Classification: Uncertain significance for BRCA1-related cancer predisposition. Last evaluated: 2025-05-23. Review status: reviewed by expert panel. Criteria: CSpec BRCA1/2ACMG Rules Specifications V1.2. Collection method: curation. Allele origin: germline. Inheritance: Autosomal dominant inheritance.
Comment: The c.4484+5G>A variant is an intronic variant occurring in intron 13(14) of the BRCA1 gene. This variant is absent from gnomAD v2.1 (exomes only, non-cancer subset, read depth ≥25) and gnomAD v3.1 (non-cancer subset, read depth ≥25) (PM2_Supporting met). This BRCA1 intronic variant is located outside of the native donor and acceptor 1,2 splice sites, and has a SpliceAI score of 0.25, predicting an impact on splicing (score threshold >0.20) (PP3 met). This variant is reported to result in aberrant mRNA splicing. RT-PCR of a FFPE sample and capillary electrophoresis analysis of the product demonstrated that the variant impacts splicing by exon skipping (PMID: 32124385). Sample type is potentially not suitable for our analysis standard and difficulty in interpretation of mRNA levels in sample led to final code strength determined by the rubric: PVS1_N/A (RNA). In summary, this variant meets the criteria to be classified as a Variant of uncertain significance for BRCA1-related cancer predisposition based on the ACMG/AMP criteria applied as specified by the ENIGMA BRCA1/2 VCEP (PM2_Supporting, PP3).

Labcorp Genetics (formerly Invitae), Labcorp
Classification: Uncertain significance for Hereditary breast ovarian cancer syndrome. Last evaluated: 2024-10-12. Review status: criteria provided, single submitter. Criteria: Invitae Variant Classification Sherloc (09022015). Collection method: clinical testing. Allele origin: germline. Not counted in ClinVar's aggregate classification.
Comment: This sequence change falls in intron 13 of the BRCA1 gene. It does not directly change the encoded amino acid sequence of the BRCA1 protein. It affects a nucleotide within the consensus splice site. This variant is not present in population databases (gnomAD no frequency). This variant has not been reported in the literature in individuals affected with BRCA1-related conditions. ClinVar contains an entry for this variant (Variation ID: 656566). Variants that disrupt the consensus splice site are a relatively common cause of aberrant splicing (PMID: 17576681, 9536098). Algorithms developed to predict the effect of sequence changes on RNA splicing suggest that this variant may disrupt the consensus splice site. In summary, the available evidence is currently insufficient to determine the role of this variant in disease. Therefore, it has been classified as a Variant of Uncertain Significance.

Ambry Genetics
Classification: Uncertain significance for Hereditary cancer-predisposing syndrome. Last evaluated: 2024-09-25. Review status: criteria provided, single submitter. Criteria: Ambry Variant Classification Scheme 2023. Collection method: clinical testing. Allele origin: germline. Not counted in ClinVar's aggregate classification.
Comment: The c.4484+5G>A intronic variant results from a G to A substitution 5 nucleotides after coding exon 12 in the BRCA1 gene. This nucleotide position is well conserved in available vertebrate species. In silico splice site analysis predicts that this alteration may weaken the native splice donor site; however, direct evidence is insufficient at this time (Ambry internal data). Based on the available evidence, the clinical significance of this variant remains unclear.

Department of Pathology and Laboratory Medicine, Sinai Health System
Classification: Uncertain significance for Familial cancer of breast; Breast-ovarian cancer, familial, susceptibility to, 1; Fanconi anemia, complementation group S. Last evaluated: 2020-02-03. Review status: criteria provided, single submitter. Criteria: ACMG Guidelines, 2015. Collection method: clinical testing. Allele origin: germline. Not counted in ClinVar's aggregate classification.

Mendelics
Classification: Likely pathogenic for Breast-ovarian cancer, familial, susceptibility to, 1. Last evaluated: 2019-05-28. Review status: criteria provided, single submitter. Criteria: Mendelics Assertion Criteria 2017. Collection method: clinical testing. Allele origin: unknown. Not counted in ClinVar's aggregate classification.

Literature cited by the submitters: PubMed 17576681 (cited by Labcorp Genetics (formerly Invitae), Labcorp); PubMed 9536098 (cited by Labcorp Genetics (formerly Invitae), Labcorp).